The following is an entry in ClinVar:

NM_031206.7(LAS1L):c.502G>A (p.Asp168Asn)

Gene: LAS1L (LAS1 like ribosome biogenesis factor; minus strand). Cytogenetic location: Xq12.
Variant type: single nucleotide variant.
Coding change: c.502G>A on transcript NM_031206.7 (MANE Select); coding-DNA position 502, G replaced by A.
Protein change: p.Asp168Asn; replaces aspartic acid 168 with asparagine.
Molecular consequence: missense variant. On other transcripts: 5 prime UTR variant (1), non-coding transcript variant (1).
Genome position (GRCh38, 1-based): chrX:65,531,369, C>T on the plus strand (G>A on the coding strand, the complement: LAS1L is on the minus strand). VCF-style: chrX-65531369-C-T. GRCh37 (hg19) VCF-style: chrX-64751249-C-T.
Other names: c.-295G>A (NM_001375332.1); c.502G>A, p.Asp168Asn (NM_001375333.1, NM_001375334.1, NM_001375335.1 and 7 more transcripts); c.376G>A, p.Asp126Asn (NM_001170650.2); short protein forms D168N, D126N.
Identifiers: ClinVar variation 573910 (VCV000573910.9), dbSNP rs1569443405, ClinGen allele CA413320104.

ClinVar aggregate classification (germline): Uncertain significance (1 of 4 stars; one submission).

Conditions:
Wilson-Turner syndrome (WTS). Also called: MENTAL RETARDATION, X-LINKED, SYNDROMIC 6; INTELLECTUAL DEVELOPMENTAL DISORDER, X-LINKED, SYNDROMIC, WILSON-TURNER TYPE. Identifiers: Orphanet 3459, MedGen C1839736, MONDO:0010665, OMIM 309585.

Allele frequency attached by ClinVar (database versions not stated): gnomAD exomes below 0.00001.
gnomAD v4.1: 1 of 1,205,555 alleles (0.000083%); highest among the groups gnomAD compares: Non-Finnish European, 0.00011%; no homozygotes.

Submission:

Labcorp Genetics (formerly Invitae), Labcorp
Classification: Uncertain significance for Wilson-Turner syndrome. Last evaluated: 2022-10-24. Review status: criteria provided, single submitter. Criteria: Invitae Variant Classification Sherloc (09022015). Collection method: clinical testing. Allele origin: germline.
Comment: This sequence change replaces aspartic acid, which is acidic and polar, with asparagine, which is neutral and polar, at codon 168 of the LAS1L protein (p.Asp168Asn). This variant is not present in population databases (gnomAD no frequency). This variant has not been reported in the literature in individuals affected with LAS1L-related conditions. ClinVar contains an entry for this variant (Variation ID: 573910). Advanced modeling of protein sequence and biophysical properties (such as structural, functional, and spatial information, amino acid conservation, physicochemical variation, residue mobility, and thermodynamic stability) has been performed at Invitae for this missense variant, however the output from this modeling did not meet the statistical confidence thresholds required to predict the impact of this variant on LAS1L protein function. In summary, the available evidence is currently insufficient to determine the role of this variant in disease. Therefore, it has been classified as a Variant of Uncertain Significance.